The following is an entry in ClinVar:

NM_005861.4(STUB1):c.676G>A (p.Asp226Asn)

Genes: JMJD8 (jumonji domain containing 8; minus strand), STUB1 (STIP1 homology and U-box containing protein 1; plus strand). Cytogenetic location: 16p13.3.
Variant type: single nucleotide variant.
Coding change: c.676G>A on transcript NM_005861.4 (MANE Select); coding-DNA position 676, G replaced by A.
Protein change: p.Asp226Asn; replaces aspartic acid 226 with asparagine.
Molecular consequence: missense variant. On other transcripts: 3 prime UTR variant (5), non-coding transcript variant (3).
Genome position (GRCh38, 1-based): chr16:682,171, G>A. VCF-style: chr16-682171-G-A. GRCh37 (hg19) VCF-style: chr16-732171-G-A.
Other names: c.460G>A, p.Asp154Asn (NM_001293197.2); c.*623C>T (NM_001005920.4, NM_001323919.3, NM_001323920.3); c.*657C>T (NM_001323918.3, NM_001323922.3); short protein forms D154N, D226N.
Identifiers: ClinVar variation 4689176 (VCV004689176.1).

ClinVar aggregate classification (germline): Uncertain significance (1 of 4 stars; one submission).

gnomAD v4.1: 45 of 1,606,098 alleles (0.0028%); highest among the groups gnomAD compares: Non-Finnish European, 0.0038%; no homozygotes.

Submission:

Women's Health and Genetics/Laboratory Corporation of America, LabCorp
Classification: Uncertain significance. Last evaluated: 2026-01-21. Review status: criteria provided, single submitter. Criteria: LabCorp Variant Classification Summary - May 2015. Collection method: clinical testing. Allele origin: germline.
Comment: Variant summary: STUB1 c.676G>A (p.Asp226Asn) results in a conservative amino acid change in the encoded protein sequence. Algorithms developed to predict the effect of missense changes on protein structure and function are either unavailable or do not agree on the potential impact of this missense change. The variant allele was found at a frequency of 2.8e-05 in 250204 control chromosomes (gnomAD). The available data on variant occurrences in the general population are insufficient to allow any conclusion about variant significance. c.676G>A has been observed in one individual affected with amyotrophic lateral sclerosis (Synofzik_2014). The report does not provide unequivocal conclusions about association of the variant with Autosomal Recessive Spinocerebellar Ataxia 16. To our knowledge, no experimental evidence demonstrating an impact on protein function has been reported. The following publication have been ascertained in the context of this evaluation (PMID: 24742043). No submitters have cited clinical-significance assessments for this variant to ClinVar. Based on the evidence outlined above, the variant was classified as uncertain significance.

Literature cited by the submitters: PubMed 24742043.